The following is an entry in ClinVar:

ClinVar aggregate classification (germline): Likely benign. Review status: criteria provided, multiple submitters, no conflicts (2 of 4 stars). 4 submissions from 4 submitters: Likely benign (4). Last evaluated 2026-01-03.

Conditions:
Inosine triphosphatase deficiency. Also called: INOSINE TRIPHOSPHATE PYROPHOSPHOHYDROLASE DEFICIENCY. Identifiers: MedGen C0342800, MONDO:0013461, OMIM 613850.
Developmental and epileptic encephalopathy, 35 (DEE35). Also called: Epileptic encephalopathy, early infantile, 35. Identifiers: Orphanet 457375, MedGen C4225256, MONDO:0014719, OMIM 616647.

Allele frequency attached by ClinVar (database versions not stated): 1000 Genomes Project 30x 0.00031; ExAC 0.00031; gnomAD exomes 0.00035; 1000 Genomes Project 0.00040; ESP Exome Variant Server 0.00054; gnomAD 0.00065 and 0.00069; TOPMed 0.00080.
gnomAD v4.1: 363 of 1,614,096 alleles (0.022%); highest among the groups gnomAD compares: African/African-American, 0.19%; 1 homozygote.

Submissions (4):

Labcorp Genetics (formerly Invitae), Labcorp
Classification: Likely benign for Inosine triphosphatase deficiency. Last evaluated: 2026-01-03. Review status: criteria provided, single submitter. Criteria: Invitae Variant Classification Sherloc (09022015). Collection method: clinical testing. Allele origin: germline.

CeGaT Center for Human Genetics Tuebingen
Classification: Likely benign. Last evaluated: 2024-10-01. Review status: criteria provided, single submitter. Criteria: CeGaT Center For Human Genetics Tuebingen Variant Classification Criteria Version 2. Collection method: clinical testing. Allele origin: germline. Affected: yes. Observed: 2 variant alleles.
Comment: ITPA: BS2

Fulgent Genetics
Classification: Likely benign for Inosine triphosphatase deficiency; Developmental and epileptic encephalopathy, 35. Last evaluated: 2021-09-27. Review status: criteria provided, single submitter. Criteria: ACMG Guidelines, 2015. Collection method: clinical testing. Allele origin: unknown.

Breakthrough Genomics
Classification: Likely benign. Review status: criteria provided, single submitter. Criteria: ACMG Guidelines, 2015. Collection method: not provided. Allele origin: germline. Inheritance: Autosomal recessive inheritance. Affected: yes.

NM_033453.4(ITPA):c.124C>T (p.Leu42=)

Gene: ITPA (inosine triphosphatase; plus strand). Cytogenetic location: 20p13.
Variant type: single nucleotide variant.
Coding change: c.124C>T on transcript NM_033453.4 (MANE Select); coding-DNA position 124, C replaced by T.
Protein change: p.Leu42=; no amino-acid change (leucine 42 retained).
Molecular consequence: synonymous variant. On other transcripts: 5 prime UTR variant (1), non-coding transcript variant (2), intron variant (4).
Genome position (GRCh38, 1-based): chr20:3,213,226, C>T. VCF-style: chr20-3213226-C-T. GRCh37 (hg19) VCF-style: chr20-3193872-C-T.
Other names: c.-214C>T (NM_001324237.2); c.124C>T, p.Leu42= (NM_001324240.2); c.73C>T, p.Leu25= (NM_181493.4); c.-274-32C>T (NM_001324238.2, NM_001324236.2, NM_001351739.2); c.67-759C>T (NM_001267623.2).
Identifiers: ClinVar variation 464827 (VCV000464827.46), dbSNP rs142574480, ClinGen allele CA9741150.